The following is an entry in ClinVar:

ClinVar aggregate classification (germline): Benign. Review status: reviewed by expert panel (3 of 4 stars). 2 submissions from 2 submitters: Benign (1). 1 of the submissions does not count toward it. Last evaluated 2022-02-11.

Conditions:
Overgrowth syndrome and/or cerebral malformations due to abnormalities in MTOR pathway genes. Identifiers: MedGen CN300503, MONDO:0100283.

Allele frequency attached by ClinVar (database versions not stated): gnomAD 0.00001 and 0.00017; TOPMed 0.00003; gnomAD exomes 0.00034 and 0.00060; ExAC 0.00069; 1000 Genomes Project 0.00100; 1000 Genomes Project 30x 0.00125.
gnomAD v4.1: 483 of 1,535,230 alleles (0.031%); highest among the groups gnomAD compares: South Asian, 0.51%; 7 homozygotes.

Submissions (2):

ClinGen Brain Malformations Variant Curation Expert Panel
Classification: Benign for Overgrowth syndrome and/or cerebral malformations due to abnormalities in MTOR pathway genes. Last evaluated: 2022-02-11. Review status: reviewed by expert panel. Criteria: ClinGen BrainMalform ACMG Specifications v1. Collection method: curation. Allele origin: germline. Inheritance: Autosomal dominant inheritance.
Comment: This NM_004958.4(MTOR): c.3117+34G>A (p.=) variant is a synonymous (silent) variant that occurs at a nucleotide that is not conserved according to a PhyloP <0.1 (BP7). The results from in silico splicing predictors MaxEntScan, spliceAI and varSEAK support that this variant does not affect splicing (BP4). The highest population minor allele frequency in gnomAD v2.1.1 is 0.004847 in the South Asian population, which is higher than the ClinGen BMEP threshold ([>=0.00185]) for BA1, and therefore meets this criterion (BA1). This variant was identified the homozygous state in >3 individuals within control databases (BS2). In summary, this variant meets the criteria to be classified as Benign for mosaic autosomal dominant overgrowth with or without cerebral malformations due to abnormalities in MTOR-pathway genes based on the ACMG/AMP criteria applied, as specified by the ClinGen Brain Malformations Expert Panel: BA1, BP4, BP7, BS2 ; -14 points (VCEP specifications version 1; Approved: 1/31/2021)

GeneDx
Classification: Benign. Last evaluated: 2020-04-13. Review status: criteria provided, single submitter. Criteria: GeneDx Variant Classification Process June 2021. Collection method: clinical testing. Allele origin: germline. Affected: yes. Not counted in ClinVar's aggregate classification.

NM_004958.4(MTOR):c.3117+34G>A

Gene: MTOR (mechanistic target of rapamycin kinase; minus strand). Cytogenetic location: 1p36.22.
Variant type: single nucleotide variant.
Coding change: c.3117+34G>A on transcript NM_004958.4 (MANE Select); 34 bases into the intron after coding-DNA position 3117, G replaced by A.
Molecular consequence: intron variant.
Genome position (GRCh38, 1-based): chr1:11,216,114, C>T on the plus strand (G>A on the coding strand, the complement: MTOR is on the minus strand). VCF-style: chr1-11216114-C-T. GRCh37 (hg19) VCF-style: chr1-11276171-C-T.
Other names: NM_004958.3:c.3117+34G>A; c.1869+34G>A (NM_001386501.1); c.3117+34G>A (NM_001386500.1).
Identifiers: ClinVar variation 1276811 (VCV001276811.5), dbSNP rs545304092, ClinGen allele CA590307.